The following is an entry in ClinVar:

ClinVar aggregate classification (germline): Pathogenic/Likely pathogenic. Review status: criteria provided, multiple submitters, no conflicts (2 of 4 stars). 4 submissions from 4 submitters: Pathogenic (1); Likely pathogenic (3). Last evaluated 2025-09-09.

Conditions:
Hereditary acrodermatitis enteropathica (AEZ). Also called: Acrodermatitis enteropathica. Identifiers: Orphanet 37, MedGen C0221036, MONDO:0008713, OMIM 201100.

Submissions (4):

Dasa
Classification: Likely pathogenic. Last evaluated: 2025-09-09. Review status: criteria provided, single submitter. Criteria: DASA Assertion Criteria. Collection method: clinical testing. Allele origin: germline.
Comment: NM_130849.4(SLC39A4):c.1066dup (p.Val356Glyfs*62) is a frameshift variant in SLC39A4 predicted to alter the reading frame and introduce a premature termination codon and is predicted to result in an absent or altered protein product. Loss of function is an established disease mechanism for SLC39A4-associated disorders. Also, this variant is rare in population databases. Based on the currently available evidence, this variant is classified as likely pathogenic.

Natera, Inc.
Classification: Likely pathogenic for Acrodermatitis enteropathica. Last evaluated: 2024-11-21. Review status: criteria provided, single submitter. Criteria: Natera Variant Classification Schema (03/2026). Collection method: clinical testing. Allele origin: germline.
Comment: The c.1066dupG variant in SLC39A4 is a frameshift variant predicted to shift the reading frame beginning at codon 356 and leads to a stop codon 62 codons downstream. This variant is expected to result in nonsense mediated decay, truncation, or a dysfunctional protein product. This variant is rare in the general population with a frequency below the threshold expected for the associated phenotype(s). Given the available evidence, this variant is classified as Likely Pathogenic.

Fulgent Genetics
Classification: Likely pathogenic for Hereditary acrodermatitis enteropathica. Last evaluated: 2024-04-08. Review status: criteria provided, single submitter. Criteria: ACMG Guidelines, 2015. Collection method: clinical testing. Allele origin: germline.

Labcorp Genetics (formerly Invitae), Labcorp
Classification: Pathogenic. Last evaluated: 2023-12-30. Review status: criteria provided, single submitter. Criteria: Invitae Variant Classification Sherloc (09022015). Collection method: clinical testing. Allele origin: germline.
Comment: This sequence change creates a premature translational stop signal (p.Val356Glyfs*62) in the SLC39A4 gene. It is expected to result in an absent or disrupted protein product. Loss-of-function variants in SLC39A4 are known to be pathogenic (PMID: 12955721). This variant is present in population databases (rs781852691, gnomAD 0.007%). This variant has not been reported in the literature in individuals affected with SLC39A4-related conditions. ClinVar contains an entry for this variant (Variation ID: 960080). For these reasons, this variant has been classified as Pathogenic.

Literature cited by the submitters: PubMed 12955721 (cited by Labcorp Genetics (formerly Invitae), Labcorp).

NM_130849.4(SLC39A4):c.1066dup (p.Val356fs)

Gene: SLC39A4 (solute carrier family 39 member 4; minus strand). Cytogenetic location: 8q24.3.
Variant type: Duplication.
Coding change: c.1066dup on transcript NM_130849.4 (MANE Select); coding-DNA position 1066, one base duplicated (G; older notation c.1066dupG).
Protein change: p.Val356fs; shifts the reading frame from valine 356.
Molecular consequence: frameshift variant.
Genome position (GRCh38, 1-based): chr8:144,414,345, C duplicated on the plus strand (G on the coding strand, the reverse complement: SLC39A4 is on the minus strand); the first of 6 consecutive C bases (chr8:144,414,345-144,414,350); duplicating any one gives the same sequence. VCF-style (leftmost placement, unchanged base first): chr8-144414344-A-AC. GRCh37 (hg19) VCF-style: chr8-145639728-A-AC.
Other names: c.1066dupG (NM_130849.3); c.784dup, p.Val262fs (NM_001374839.1); c.991dup, p.Val331fs (NM_017767.3); short protein forms V331fs, V356fs, V262fs.
Identifiers: ClinVar variation 960080 (VCV000960080.10), dbSNP rs781852691, ClinGen allele CA4941412.